The following is an entry in ClinVar:

ClinVar aggregate classification (germline): Uncertain significance (1 of 4 stars; one submission).

Submission:

GeneDx
Classification: Uncertain significance. Last evaluated: 2022-08-29. Review status: criteria provided, single submitter. Criteria: GeneDx Variant Classification Process June 2021. Collection method: clinical testing. Allele origin: germline. Affected: yes.
Comment: Not observed at significant frequency in large population cohorts (gnomAD); In silico analysis supports that this missense variant has a deleterious effect on protein structure/function; Has not been previously published as pathogenic or benign to our knowledge

NM_001429.4(EP300):c.5087A>C (p.Tyr1696Ser)

Gene: EP300 (E1A binding protein p300; plus strand). Cytogenetic location: 22q13.2.
Variant type: single nucleotide variant.
Coding change: c.5087A>C on transcript NM_001429.4 (MANE Select); coding-DNA position 5087, A replaced by C.
Protein change: p.Tyr1696Ser; replaces tyrosine 1696 with serine.
Molecular consequence: missense variant.
Genome position (GRCh38, 1-based): chr22:41,176,798, A>C. VCF-style: chr22-41176798-A-C. GRCh37 (hg19) VCF-style: chr22-41572802-A-C.
Other names: c.5009A>C, p.Tyr1670Ser (NM_001362843.2); short protein forms Y1670S, Y1696S.
Identifiers: ClinVar variation 2443615 (VCV002443615.1), dbSNP rs2517831884, ClinGen allele CA411708125.